The following is an entry in ClinVar:

NM_000368.5(TSC1):c.1891G>A (p.Ala631Thr)

Gene: TSC1 (TSC complex subunit 1; minus strand). Cytogenetic location: 9q34.13.
Variant type: single nucleotide variant.
Coding change: c.1891G>A on transcript NM_000368.5 (MANE Select); coding-DNA position 1891, G replaced by A.
Protein change: p.Ala631Thr; replaces alanine 631 with threonine.
Molecular consequence: missense variant.
Genome position (GRCh38, 1-based): chr9:132,905,687, C>T on the plus strand (G>A on the coding strand, the complement: TSC1 is on the minus strand). VCF-style: chr9-132905687-C-T. GRCh37 (hg19) VCF-style: chr9-135781074-C-T.
Other names: c.1888G>A, p.Ala630Thr (NM_001162426.2); c.1738G>A, p.Ala580Thr (NM_001162427.2); c.1528G>A, p.Ala510Thr (NM_001362177.2); short protein forms A510T, A580T, A630T, A631T.
Identifiers: ClinVar variation 979130 (VCV000979130.10), dbSNP rs1845613535, ClinGen allele CA375362880.

ClinVar aggregate classification (germline): Uncertain significance. Review status: criteria provided, multiple submitters, no conflicts (2 of 4 stars). 3 submissions from 3 submitters: Uncertain significance (3). Last evaluated 2024-12-22.

Conditions:
Tuberous sclerosis 1 (TSC1). Identifiers: Orphanet 805, MedGen C1854465, MONDO:0008612, OMIM 191100.
Hereditary cancer-predisposing syndrome. Also called: Tumor predisposition; Hereditary Cancer Syndrome; Neoplastic Syndromes, Hereditary; Hereditary neoplastic syndrome. Identifiers: Orphanet 140162, MedGen C0027672, MeSH D009386, MONDO:0015356.

Submissions (3):

Labcorp Genetics (formerly Invitae), Labcorp
Classification: Uncertain significance for Tuberous sclerosis 1. Last evaluated: 2024-12-22. Review status: criteria provided, single submitter. Criteria: Invitae Variant Classification Sherloc (09022015). Collection method: clinical testing. Allele origin: germline.
Comment: This sequence change replaces alanine, which is neutral and non-polar, with threonine, which is neutral and polar, at codon 631 of the TSC1 protein (p.Ala631Thr). This variant is not present in population databases (gnomAD no frequency). This variant has not been reported in the literature in individuals affected with TSC1-related conditions. ClinVar contains an entry for this variant (Variation ID: 979130). Invitae Evidence Modeling of protein sequence and biophysical properties (such as structural, functional, and spatial information, amino acid conservation, physicochemical variation, residue mobility, and thermodynamic stability) indicates that this missense variant is not expected to disrupt TSC1 protein function with a negative predictive value of 95%. In summary, the available evidence is currently insufficient to determine the role of this variant in disease. Therefore, it has been classified as a Variant of Uncertain Significance.

Ambry Genetics
Classification: Uncertain significance for Hereditary cancer-predisposing syndrome. Last evaluated: 2024-02-24. Review status: criteria provided, single submitter. Criteria: Ambry Variant Classification Scheme 2023. Collection method: clinical testing. Allele origin: germline.
Comment: The p.A631T variant (also known as c.1891G>A), located in coding exon 13 of the TSC1 gene, results from a G to A substitution at nucleotide position 1891. The alanine at codon 631 is replaced by threonine, an amino acid with similar properties. This amino acid position is conserved. In addition, this alteration is predicted to be tolerated by in silico analysis. Based on the available evidence, the clinical significance of this alteration remains unclear.

Human Genome Sequencing Center Clinical Lab, Baylor College of Medicine
Classification: Uncertain significance for Tuberous sclerosis type 1. Review status: criteria provided, single submitter. Criteria: ACMG Guidelines, 2015. Collection method: clinical testing. Allele origin: germline.